The following is an entry in ClinVar:

NM_001401501.2(MUC16):c.37881C>A (p.Gly12627=)

Gene: MUC16 (mucin 16, cell surface associated; minus strand). Cytogenetic location: 19p13.2.
Variant type: single nucleotide variant.
Coding change: c.37881C>A on transcript NM_001401501.2 (MANE Select); coding-DNA position 37881, C replaced by A.
Protein change: p.Gly12627=; no amino-acid change (glycine 12627 retained).
Molecular consequence: synonymous variant.
Genome position (GRCh38, 1-based): chr19:8,907,803, G>T on the plus strand (C>A on the coding strand, the complement: MUC16 is on the minus strand). VCF-style: chr19-8907803-G-T. GRCh37 (hg19) VCF-style: chr19-9018479-G-T.
Other names: c.38307C>A, p.Gly12769= (NM_001414686.1); c.37761C>A, p.Gly12587= (NM_001414687.1); c.37695C>A, p.Gly12565= (NM_024690.2).
Identifiers: ClinVar variation 3049486 (VCV003049486.2), dbSNP rs111639147, ClinGen allele CA9164988.

ClinVar aggregate classification (germline): Likely benign (0 of 4 stars; one submission).

Conditions:
MUC16-related disorder. Also called: MUC16-related condition.

Allele frequency attached by ClinVar (database versions not stated): ExAC 0.02072.

Submission:

PreventionGenetics, part of Exact Sciences
Classification: Likely benign for MUC16-related condition. Last evaluated: 2019-12-19. Review status: no assertion criteria provided. Collection method: clinical testing. Allele origin: germline.
Comment: This variant is classified as likely benign based on ACMG/AMP sequence variant interpretation guidelines (Richards et al. 2015 PMID: 25741868, with internal and published modifications).